The following is an entry in ClinVar:

ClinVar aggregate classification (germline): Uncertain significance (1 of 4 stars; one submission).

Conditions:
Wiskott-Aldrich syndrome 2 (WAS2). Also called: WIPF1 DEFICIENCY. Identifiers: Orphanet 906, MedGen C3281001, MONDO:0013779, OMIM 614493.

Allele frequency attached by ClinVar (database versions not stated): gnomAD exomes below 0.00001.
gnomAD v4.1: 1 of 1,597,312 alleles (0.000063%); highest among the groups gnomAD compares: Non-Finnish European, 0.000085%; no homozygotes.

Submission:

Labcorp Genetics (formerly Invitae), Labcorp
Classification: Uncertain significance for Wiskott-Aldrich syndrome 2. Last evaluated: 2021-09-17. Review status: criteria provided, single submitter. Criteria: Invitae Variant Classification Sherloc (09022015). Collection method: clinical testing. Allele origin: germline.
Comment: This variant is not present in population databases (ExAC no frequency). This sequence change replaces asparagine with lysine at codon 290 of the WIPF1 protein (p.Asn290Lys). The asparagine residue is weakly conserved and there is a moderate physicochemical difference between asparagine and lysine. This variant has not been reported in the literature in individuals affected with WIPF1-related conditions. Algorithms developed to predict the effect of missense changes on protein structure and function are either unavailable or do not agree on the potential impact of this missense change (SIFT: "Not Available"; PolyPhen-2: "Benign"; Align-GVGD: "Not Available"). In summary, the available evidence is currently insufficient to determine the role of this variant in disease. Therefore, it has been classified as a Variant of Uncertain Significance.

NM_001375834.1(WIPF1):c.870C>G (p.Asn290Lys)

Gene: WIPF1 (WAS/WASL interacting protein family member 1; minus strand). Cytogenetic location: 2q31.1.
Variant type: single nucleotide variant.
Coding change: c.870C>G on transcript NM_001375834.1 (MANE Select); coding-DNA position 870, C replaced by G.
Protein change: p.Asn290Lys; replaces asparagine 290 with lysine.
Molecular consequence: missense variant.
Genome position (GRCh38, 1-based): chr2:174,571,935, G>C on the plus strand (C>G on the coding strand, the complement: WIPF1 is on the minus strand). VCF-style: chr2-174571935-G-C. GRCh37 (hg19) VCF-style: chr2-175436663-G-C.
Other names: c.870C>G, p.Asn290Lys (NM_001077269.1, NM_001375832.1, NM_001375833.1 and 5 more transcripts); c.492C>G, p.Asn164Lys (NM_001375839.1); short protein forms N164K, N290K.
Identifiers: ClinVar variation 1427708 (VCV001427708.6), dbSNP rs2105806273, ClinGen allele CA349341375.
Genomic context (GRCh38, chr2:174,571,935, plus strand): 5'-CGGCGGAGGTGGGGCCTGTGAGGAGGCCGAAGGCCGCGGAGTGGAAGGCACTGGAGGCTT[G>C]TTGTTCTGAGGAGGAGGAGGGGGAACCGCTTCCCTGTGGATGGAGGGCCTGTTGCCCACT-3'
Protein context (NP_001362763.1, residues 280-300): EAVPPPPPQN[Asn290Lys]KPPVPSTPRP